The following is an entry in ClinVar:

ClinVar aggregate classification (germline): Benign (1 of 4 stars; one submission).

Allele frequency attached by ClinVar (database versions not stated): 1000 Genomes Project 30x 0.48017; 1000 Genomes Project 0.48363; TOPMed 0.53184; gnomAD 0.53793 and 0.53947.
gnomAD v4.1: 82,297 of 151,914 alleles (54%); highest among the groups gnomAD compares: Middle Eastern, 68%; 23,796 homozygotes.

Submission:

GeneDx
Classification: Benign. Last evaluated: 2018-06-18. Review status: criteria provided, single submitter. Criteria: GeneDx Variant Classification (06012015). Collection method: clinical testing. Allele origin: germline. Affected: yes.
Comment: This variant is considered likely benign or benign based on one or more of the following criteria: it is a conservative change, it occurs at a poorly conserved position in the protein, it is predicted to be benign by multiple in silico algorithms, and/or has population frequency not consistent with disease.

NM_000023.4(SGCA):c.37+298G>A

Gene: SGCA (sarcoglycan alpha; plus strand). Cytogenetic location: 17q21.33.
Variant type: single nucleotide variant.
Coding change: c.37+298G>A on transcript NM_000023.4 (MANE Select); 298 bases into the intron after coding-DNA position 37, G replaced by A.
Molecular consequence: intron variant.
Genome position (GRCh38, 1-based): chr17:50,166,375, G>A. VCF-style: chr17-50166375-G-A. GRCh37 (hg19) VCF-style: chr17-48243736-G-A.
Other names: c.37+298G>A (NM_001135697.3).
Identifiers: ClinVar variation 684353 (VCV000684353.1), dbSNP rs2412299, ClinGen allele CA14405648.